The following is an entry in ClinVar:

NM_015215.4(CAMTA1):c.2430G>A (p.Ala810=)

Gene: CAMTA1 (calmodulin binding transcription activator 1; plus strand). Cytogenetic location: 1p36.23.
Variant type: single nucleotide variant.
Coding change: c.2430G>A on transcript NM_015215.4 (MANE Select); coding-DNA position 2430, G replaced by A.
Protein change: p.Ala810=; no amino-acid change (alanine 810 retained).
Molecular consequence: synonymous variant.
Genome position (GRCh38, 1-based): chr1:7,664,977, G>A. VCF-style: chr1-7664977-G-A. GRCh37 (hg19) VCF-style: chr1-7725037-G-A.
Other names: c.2340G>A, p.Ala780= (NM_001349608.2, NM_001349612.2); c.2430G>A, p.Ala810= (NM_001349609.2, NM_001349610.2, NM_001410737.1); c.2358G>A, p.Ala786= (NM_001410738.1).
Identifiers: ClinVar variation 4281116 (VCV004281116.8).

ClinVar aggregate classification (germline): Likely benign. Review status: criteria provided, multiple submitters, no conflicts (2 of 4 stars). 2 submissions from 2 submitters: Likely benign (2). Last evaluated 2025-09-01.

gnomAD v4.1: 24 of 1,610,692 alleles (0.0015%); highest among the groups gnomAD compares: Admixed American, 0.0033%; no homozygotes.

Submissions (2):

CeGaT Center for Human Genetics Tuebingen
Classification: Likely benign. Last evaluated: 2025-09-01. Review status: criteria provided, single submitter. Criteria: CeGaT Center For Human Genetics Tuebingen Variant Classification Criteria Version 2. Collection method: clinical testing. Allele origin: germline. Affected: yes. Observed: 1 variant allele.
Comment: CAMTA1: BP4, BP7

Blueprint Genetics
Classification: Likely benign. Last evaluated: 2021-08-10. Review status: criteria provided, single submitter. Criteria: ACMG Guidelines, 2015. Collection method: clinical testing. Allele origin: germline.